The following is an entry in ClinVar:

ClinVar aggregate classification (germline): Uncertain significance. Review status: criteria provided, multiple submitters, no conflicts (2 of 4 stars). 2 submissions from 2 submitters: Uncertain significance (2). Last evaluated 2025-08-25.

Allele frequency attached by ClinVar (database versions not stated): TOPMed 0.00003; gnomAD 0.00004.
gnomAD v4.1: 76 of 1,613,626 alleles (0.0047%); highest among the groups gnomAD compares: Middle Eastern, 0.033%; no homozygotes.

Submissions (2):

Ambry Genetics
Classification: Uncertain significance. Last evaluated: 2025-08-25. Review status: criteria provided, single submitter. Criteria: Ambry Variant Classification Scheme 2023. Collection method: clinical testing. Allele origin: germline.

Labcorp Genetics (formerly Invitae), Labcorp
Classification: Uncertain significance. Last evaluated: 2025-03-07. Review status: criteria provided, single submitter. Criteria: Invitae Variant Classification Sherloc (09022015). Collection method: clinical testing. Allele origin: germline.
Comment: This sequence change replaces arginine, which is basic and polar, with histidine, which is basic and polar, at codon 61 of the KANK2 protein (p.Arg61His). This variant is present in population databases (rs754512529, gnomAD 0.006%). This variant has not been reported in the literature in individuals affected with KANK2-related conditions. ClinVar contains an entry for this variant (Variation ID: 2719960). An algorithm developed to predict the effect of missense changes on protein structure and function (PolyPhen-2) suggests that this variant is likely to be disruptive. In summary, the available evidence is currently insufficient to determine the role of this variant in disease. Therefore, it has been classified as a Variant of Uncertain Significance.

NM_001136191.3(KANK2):c.182G>A (p.Arg61His)

Gene: KANK2 (KN motif and ankyrin repeat domains 2; minus strand). Cytogenetic location: 19p13.2.
Variant type: single nucleotide variant.
Coding change: c.182G>A on transcript NM_001136191.3 (MANE Select); coding-DNA position 182, G replaced by A.
Protein change: p.Arg61His; replaces arginine 61 with histidine.
Molecular consequence: missense variant.
Genome position (GRCh38, 1-based): chr19:11,193,898, C>T on the plus strand (G>A on the coding strand, the complement: KANK2 is on the minus strand). VCF-style: chr19-11193898-C-T. GRCh37 (hg19) VCF-style: chr19-11304574-C-T.
Other names: c.182G>A, p.Arg61His (NM_001329451.2, NM_001379548.1, NM_001379549.1 and 15 more transcripts); c.182G>A (NM_015493.6); short protein forms R61H.
Identifiers: ClinVar variation 2719960 (VCV002719960.4), dbSNP rs754512529, ClinGen allele CA9206138.
Genomic context (GRCh38, chr19:11,193,898, plus strand): 5'-CACCAGGAGCCAGGGCCACGGGGCAGCGAGCTCAGGCGGGGGCGGCGCTGCACTGCCACG[C>T]GTCGCAGCGTGTGGCCCTTCTCGATGTCATCCACGTACTTGAGGAAGTCCAGGTCCAGGC-3'
Protein context (NP_001129663.1, residues 51-71): DDIEKGHTLR[Arg61His]VAVQRRPRLS